The following is an entry in ClinVar:

NC_000007.14:g.(?_5970924)_(6009107_?)del

Gene: PMS2 (PMS1 homolog 2, mismatch repair system component; minus strand). Cytogenetic location: 7p22.1.
Variant type: Deletion.
Identifiers: ClinVar variation 981980 (VCV000981980.1).

ClinVar aggregate classification (germline): Pathogenic (1 of 4 stars; one submission).

Conditions:
Hereditary nonpolyposis colon cancer (HNPCC). Also called: Hereditary nonpolyposis colorectal cancer; Familial nonpolyposis colon cancer; Hereditary Nonpolyposis Colorectal Cancer Syndrome. Identifiers: Orphanet 443909, MedGen C1333990, MONDO:0018630. Disease mechanism: loss of function.

Submission:

Women's Health and Genetics/Laboratory Corporation of America, LabCorp
Classification: Pathogenic for Hereditary nonpolyposis colon cancer. Last evaluated: 2020-03-20. Review status: criteria provided, single submitter. Criteria: LabCorp Variant Classification Summary - May 2015. Collection method: clinical testing. Allele origin: germline.
Comment: Variant summary: This variant identified by MLPA involves the deletion of the full PMS2 gene (exons 1-15). A presumed nomenclature of c.(?_-88)_(*2475_?)del has been designated for the purposes of this classification. Although exact breakpoints of this deletion are not known, it is expected to result in the deletion of the entire PMS2 gene, a known mechanism of disease. The frequency of this variant in the general population could not be determined as the technology used for large population databases (ExAC, gnomAD, ESP, 1000G) cannot detect variants of this type. c.(?_-88)_(*2475_?)del has been reported in the literature in multiple individuals affected with Lynch Syndrome (examples- Overbeek_2007, Senter_2008, vanderKlift_2010). These data indicate that the variant is very likely to be associated with disease. To our knowledge, no experimental evidence demonstrating an impact on protein function has been reported. No clinical diagnostic laboratories have submitted clinical-significance assessments for this variant to ClinVar after 2014. One expert panel (InSIGHT) has cited the variant as pathogenic. Based on the evidence outlined above, the variant was classified as pathogenic.

Literature cited by the submitters: PubMed 20186688; PubMed 17453009; PubMed 18602922.